The following is an entry in ClinVar:

NM_153717.3(EVC):c.1141G>A (p.Val381Met)

Gene: EVC (EvC ciliary complex subunit 1; plus strand). Cytogenetic location: 4p16.2.
Variant type: single nucleotide variant.
Coding change: c.1141G>A on transcript NM_153717.3 (MANE Select); coding-DNA position 1141, G replaced by A.
Protein change: p.Val381Met; replaces valine 381 with methionine.
Molecular consequence: missense variant.
Genome position (GRCh38, 1-based): chr4:5,752,878, G>A. VCF-style: chr4-5752878-G-A. GRCh37 (hg19) VCF-style: chr4-5754605-G-A.
Other names: c.1141G>A, p.Val381Met (NM_001306090.2, NM_001306092.2); short protein forms V381M.
Identifiers: ClinVar variation 1366135 (VCV001366135.4), dbSNP rs2152076238, ClinGen allele CA356153410.

ClinVar aggregate classification (germline): Uncertain significance (1 of 4 stars; one submission).

Conditions:
Ellis-van Creveld syndrome (EVC). Also called: Chondroectodermal dysplasia; EVC-Related Ellis-van Creveld Syndrome; EVC2-Related Ellis-van Creveld Syndrome; MESOECTODERMAL DYSPLASIA. Identifiers: Orphanet 289, MedGen C0013903, MONDO:0009162, OMIM 225500.
Curry-Hall syndrome (WAD). Also called: WEYERS ACRODENTAL DYSOSTOSIS. Identifiers: Orphanet 952, MedGen C0457013, MONDO:0008673, OMIM 193530.

gnomAD v4.1: 1 of 1,614,230 alleles (0.000062%); highest among the groups gnomAD compares: Non-Finnish European, 0.000085%; no homozygotes.

Submission:

Labcorp Genetics (formerly Invitae), Labcorp
Classification: Uncertain significance for Curry-Hall syndrome; Ellis-van Creveld syndrome. Last evaluated: 2022-06-27. Review status: criteria provided, single submitter. Criteria: Invitae Variant Classification Sherloc (09022015). Collection method: clinical testing. Allele origin: germline.
Comment: This sequence change replaces valine, which is neutral and non-polar, with methionine, which is neutral and non-polar, at codon 381 of the EVC protein (p.Val381Met). This variant is not present in population databases (gnomAD no frequency). This variant has not been reported in the literature in individuals affected with EVC-related conditions. Algorithms developed to predict the effect of missense changes on protein structure and function output the following: SIFT: "Tolerated"; PolyPhen-2: "Benign"; Align-GVGD: "Class C0". The methionine amino acid residue is found in multiple mammalian species, which suggests that this missense change does not adversely affect protein function. In summary, the available evidence is currently insufficient to determine the role of this variant in disease. Therefore, it has been classified as a Variant of Uncertain Significance.